The following is an entry in ClinVar:

NM_001134363.3(RBM20):c.1396A>G (p.Ser466Gly)

Gene: RBM20 (RNA binding motif protein 20; plus strand). Cytogenetic location: 10q25.2.
Variant type: single nucleotide variant.
Coding change: c.1396A>G on transcript NM_001134363.3 (MANE Select); coding-DNA position 1396, A replaced by G.
Protein change: p.Ser466Gly; replaces serine 466 with glycine.
Molecular consequence: missense variant.
Genome position (GRCh38, 1-based): chr10:110,784,399, A>G. VCF-style: chr10-110784399-A-G. GRCh37 (hg19) VCF-style: chr10-112544157-A-G.
Other names: short protein forms S466G.
Identifiers: ClinVar variation 1011000 (VCV001011000.10), dbSNP rs1330659380, ClinGen allele CA378387902.

ClinVar aggregate classification (germline): Conflicting classifications of pathogenicity. Review status: criteria provided, conflicting classifications (1 of 4 stars). 2 submissions from 2 submitters: Uncertain significance (1); Likely benign (1). Last evaluated 2024-03-17.

Conditions:
Dilated cardiomyopathy 1DD (CMD1DD). Identifiers: Orphanet 154, MedGen C2750995, MONDO:0013168, OMIM 613172.
Cardiovascular phenotype. Identifiers: MedGen CN230736.

Allele frequency attached by ClinVar (database versions not stated): gnomAD exomes 0.00001.
gnomAD v4.1: 4 of 1,551,514 alleles (0.00026%); highest among the groups gnomAD compares: Admixed American, 0.0039%; no homozygotes.

Submissions (2):

Labcorp Genetics (formerly Invitae), Labcorp
Classification: Likely benign for Dilated cardiomyopathy 1DD. Last evaluated: 2024-03-17. Review status: criteria provided, single submitter. Criteria: Invitae Variant Classification Sherloc (09022015). Collection method: clinical testing. Allele origin: germline.

Ambry Genetics
Classification: Uncertain significance for Cardiovascular phenotype. Last evaluated: 2022-04-09. Review status: criteria provided, single submitter. Criteria: Ambry Variant Classification Scheme 2023. Collection method: clinical testing. Allele origin: germline.
Comment: The p.S466G variant (also known as c.1396A>G), located in coding exon 4 of the RBM20 gene, results from an A to G substitution at nucleotide position 1396. The serine at codon 466 is replaced by glycine, an amino acid with similar properties. This amino acid position is conserved. In addition, this alteration is predicted to be tolerated by in silico analysis. Since supporting evidence is limited at this time, the clinical significance of this alteration remains unclear.